The following is an entry in ClinVar:

NM_016628.5(WAC):c.577C>T (p.Gln193Ter)

Gene: WAC (WW domain containing adaptor with coiled-coil; plus strand). Cytogenetic location: 10p12.1.
Variant type: single nucleotide variant.
Coding change: c.577C>T on transcript NM_016628.5 (MANE Select); coding-DNA position 577, C replaced by T.
Protein change: p.Gln193Ter; replaces glutamine 193 with a stop codon.
Molecular consequence: nonsense.
Genome position (GRCh38, 1-based): chr10:28,590,799, C>T. VCF-style: chr10-28590799-C-T. GRCh37 (hg19) VCF-style: chr10-28879728-C-T.
Other names: c.442C>T, p.Gln148Ter (NM_100264.3); c.577C>T, p.Gln193Ter (NM_100486.4); short protein forms Q148*, Q193*.
Identifiers: ClinVar variation 523849 (VCV000523849.3), dbSNP rs963822803, ClinGen allele CA376401781.

ClinVar aggregate classification (germline): Pathogenic. Review status: criteria provided, multiple submitters, no conflicts (2 of 4 stars). 2 submissions from 2 submitters: Pathogenic (2). Last evaluated 2025-05-23.

Conditions:
DeSanto-Shinawi syndrome due to WAC point mutation (DESSH). Also called: WAC-Related Intellectual Disability; Facial dysmorphism-developmental delay-behavioral abnormalities syndrome due to WAC point mutation; DEVELOPMENTAL DELAY, BEHAVIORAL ABNORMALITIES, FACIAL DYSMORPHISM, AND OCULAR ABNORMALITIES. Identifiers: Orphanet 284169, Orphanet 466950, MedGen C5681129, MONDO:0014741, OMIM 616708.

Submissions (2):

GeneDx
Classification: Pathogenic. Last evaluated: 2025-05-23. Review status: criteria provided, single submitter. Criteria: GeneDx Variant Classification Process June 2021. Collection method: clinical testing. Allele origin: germline. Affected: yes.
Comment: Nonsense variant predicted to result in protein truncation or nonsense mediated decay in a gene for which loss of function is a known mechanism of disease; Not observed at significant frequency in large population cohorts (gnomAD); Has not been previously published as pathogenic or benign to our knowledge

Variantyx, Inc.
Classification: Pathogenic for DeSanto-Shinawi syndrome due to WAC point mutation. Last evaluated: 2025-04-23. Review status: criteria provided, single submitter. Criteria: Variantyx Assertion Criteria 2022. Collection method: clinical testing. Allele origin: de novo. Inheritance: Autosomal dominant inheritance. Affected: yes.
Comment: This is a nonsense variant in the WAC gene (OMIM: 615049). Pathogenic variants in this gene have been associated with autosomal dominant Desanto-Shinawi syndrome. This variant introduces a premature termination codon in exon 6 out of 14 and is expected to result in loss of function, which is a known disease mechanism for WAC in this disorder (PMID: 27119754) (PVS1). This variant is absent from control populations (PM2). Based on the current evidence, this variant is classified as pathogenic for autosomal dominant Desanto-Shinawi syndrome.

Literature cited by the submitters: PubMed 27119754 (cited by Variantyx, Inc.).